The following is an entry in ClinVar:

ClinVar aggregate classification (germline): Uncertain significance (1 of 4 stars; one submission).

Conditions:
Predisposition to invasive fungal disease due to CARD9 deficiency (IMD103). Also called: CARD9 IMMUNODEFICIENCY; Candidiasis, familial, 2, autosomal recessive; IMMUNODEFICIENCY 103, SUSCEPTIBILITY TO FUNGAL INFECTIONS. Identifiers: Orphanet 457088, MedGen C1859353, MONDO:0008905, OMIM 212050.

Submission:

Labcorp Genetics (formerly Invitae), Labcorp
Classification: Uncertain significance for Predisposition to invasive fungal disease due to CARD9 deficiency. Last evaluated: 2021-02-14. Review status: criteria provided, single submitter. Criteria: Invitae Variant Classification Sherloc (09022015). Collection method: clinical testing. Allele origin: germline.
Comment: This sequence change replaces aspartic acid with glutamic acid at codon 521 of the CARD9 protein (p.Asp521Glu). The aspartic acid residue is moderately conserved and there is a small physicochemical difference between aspartic acid and glutamic acid. This variant is not present in population databases (ExAC no frequency). This variant has not been reported in the literature in individuals with CARD9-related conditions. Algorithms developed to predict the effect of missense changes on protein structure and function are either unavailable or do not agree on the potential impact of this missense change (SIFT: "Tolerated"; PolyPhen-2: "Possibly Damaging"; Align-GVGD: "Class C0"). In summary, the available evidence is currently insufficient to determine the role of this variant in disease. Therefore, it has been classified as a Variant of Uncertain Significance.

NM_052813.5(CARD9):c.1563C>G (p.Asp521Glu)

Gene: CARD9 (caspase recruitment domain family member 9; minus strand). Cytogenetic location: 9q34.3.
Variant type: single nucleotide variant.
Coding change: c.1563C>G on transcript NM_052813.5 (MANE Select); coding-DNA position 1563, C replaced by G.
Protein change: p.Asp521Glu; replaces aspartic acid 521 with glutamic acid.
Molecular consequence: missense variant. On other transcripts: intron variant (1).
Genome position (GRCh38, 1-based): chr9:136,364,350, G>C on the plus strand (C>G on the coding strand, the complement: CARD9 is on the minus strand). VCF-style: chr9-136364350-G-C. GRCh37 (hg19) VCF-style: chr9-139258802-G-C.
Other names: c.1442-188C>G (NM_052814.4); short protein forms D521E.
Identifiers: ClinVar variation 1509981 (VCV001509981.8), dbSNP rs2131430667, ClinGen allele CA375540744.